The following is an entry in ClinVar:

ClinVar aggregate classification (germline): Uncertain significance (1 of 4 stars; one submission).

Conditions:
AVIL-related disorder. Also called: AVIL-related condition.

Submission:

PreventionGenetics, part of Exact Sciences
Classification: Uncertain significance for AVIL-related condition. Last evaluated: 2026-01-13. Review status: criteria provided, single submitter. Criteria: ACMG Guidelines, 2015. Collection method: clinical testing. Allele origin: germline.
Comment: The AVIL c.62_63delTA variant is predicted to result in a frameshift and premature protein termination (p.Ile21Argfs*18). To our knowledge, this variant has not been reported in the literature. This variant is reported in 0.0033% of alleles in individuals of South Asian descent in gnomAD. The gene-disease (nephrotic syndrome) relationship is currently classified as ‘limited’ by the ClinGen Expert Panel. Although we suspect that this variant may be pathogenic, at this time, the clinical significance of this variant is uncertain due to the absence of conclusive functional and genetic evidence.

NM_006576.4(AVIL):c.62_63del (p.Ile21fs)

Gene: AVIL (advillin; minus strand). Cytogenetic location: 12q14.1.
Variant type: Deletion.
Coding change: c.62_63del on transcript NM_006576.4 (MANE Select); coding-DNA positions 62 to 63, 2 bases deleted (TA; older notation c.62_63delTA).
Protein change: p.Ile21fs; shifts the reading frame from isoleucine 21.
Molecular consequence: frameshift variant.
Genome position (GRCh38, 1-based): chr12:57,815,978-57,815,979, TA deleted on the plus strand (TA on the coding strand, the reverse complement: AVIL is on the minus strand); deleting any 2 consecutive bases within chr12:57,815,978-57,815,980 gives the same sequence; the c. name uses the placement nearest the transcript's 3' end. VCF-style (leftmost placement, unchanged base first): chr12-57815977-CTA-C. GRCh37 (hg19) VCF-style: chr12-58209760-CTA-C.
Other names: short protein forms I21fs.
Identifiers: ClinVar variation 4983674 (VCV004983674.1).